The following is an entry in ClinVar:

ClinVar aggregate classification (germline): Pathogenic (1 of 4 stars; one submission).

Submission:

Labcorp Genetics (formerly Invitae), Labcorp
Classification: Pathogenic. Last evaluated: 2023-06-15. Review status: criteria provided, single submitter. Criteria: Invitae Variant Classification Sherloc (09022015). Collection method: clinical testing. Allele origin: germline.
Comment: This sequence change creates a premature translational stop signal (p.Leu161*) in the PIGB gene. It is expected to result in an absent or disrupted protein product. Loss-of-function variants in PIGB are known to be pathogenic (PMID: 31256876, 34400385). This variant is not present in population databases (gnomAD no frequency). This variant has not been reported in the literature in individuals affected with PIGB-related conditions. For these reasons, this variant has been classified as Pathogenic.

Literature cited by the submitters: PubMed 31256876; PubMed 34400385.

NM_004855.5(PIGB):c.482del (p.Ser160_Leu161insTer)

Gene: PIGB (phosphatidylinositol glycan anchor biosynthesis class B; plus strand). Cytogenetic location: 15q21.3.
Variant type: Deletion.
Coding change: c.482del on transcript NM_004855.5 (MANE Select); coding-DNA position 482, one base deleted (T; older notation c.482delT).
Protein change: p.Ser160_Leu161insTer.
Molecular consequence: nonsense.
Genome position (GRCh38, 1-based): chr15:55,327,595, T deleted; the last of 2 consecutive T bases (chr15:55,327,594-55,327,595); deleting either gives the same sequence. VCF-style (leftmost placement, unchanged base first): chr15-55327593-AT-A. GRCh37 (hg19) VCF-style: chr15-55619791-AT-A.
Identifiers: ClinVar variation 2716626 (VCV002716626.3), dbSNP rs2543082930, ClinGen allele CA2575733813.
Genomic context (GRCh38, chr15:55,327,593, plus strand): 5'-TTGGATTCCTAGACTTGCCCAAGCACTTCTGTCTGCTGTAGCAGATGTGAGACTTTACTC[AT>A]TAATGAAGCAACTAGAAAATCAGGAAGTGGCAAGATGGGTGGTAAGTCCTAAATACTTTA-3'